The following is an entry in ClinVar:

ClinVar aggregate classification (germline): Conflicting classifications of pathogenicity. Review status: criteria provided, conflicting classifications (1 of 4 stars). 7 submissions from 7 submitters: Uncertain significance (3); Likely benign (3). 1 of the submissions does not count toward it. Last evaluated 2026-10-01.

Conditions:
Exostoses, multiple, type 2 (EXT2). Also called: Hereditary Multiple Osteochondromatosis, Type II; EXOSTOSES, MULTIPLE, TYPE II. Identifiers: Orphanet 321, MedGen C1851413, MONDO:0007586, OMIM 133701.
Seizures-scoliosis-macrocephaly syndrome. Also called: Seizures, scoliosis, and macrocephaly syndrome; SEIZURES, SCOLIOSIS, AND MACROCEPHALY/MICROCEPHALY SYNDROME. Identifiers: Orphanet 466926, MedGen C4225248, MONDO:0014731, OMIM 616682.
EXT2-related disorder. Also called: EXT2-related condition.

Allele frequency attached by ClinVar (database versions not stated): ExAC 0.00027; gnomAD exomes 0.00028 and 0.00079; TOPMed 0.00037; gnomAD 0.00044 and 0.00039; ESP Exome Variant Server 0.00092.
gnomAD v4.1: 1,232 of 1,614,022 alleles (0.076%); highest among the groups gnomAD compares: Non-Finnish European, 0.096%; 2 homozygotes.

Submissions (7):

St. Jude Molecular Pathology, St. Jude Children's Research Hospital
Classification: Likely benign for Exostoses, multiple, type 2. Last evaluated: 2026-10-01. Review status: criteria provided, single submitter. Criteria: St. Jude Assertion Criteria 2020. Collection method: clinical testing. Allele origin: germline.
Comment: The EXT2 c.1121C>T p.(Pro374Leu) missense change has a maximum subpopulation frequency of 0.050% in gnomAD v2.1.1 which is higher than the expected population frequency of a pathogenic variant. The in silico tool REVEL predicts a deleterious effect on protein function, but to our knowledge this prediction has not been confirmed by functional studies. To our knowledge, this variant has not been reported in individuals with hereditary multiple exostoses. In summary, this variant meets criteria to be classified as likely benign.

PreventionGenetics, part of Exact Sciences
Classification: Uncertain significance for EXT2-related condition. Last evaluated: 2026-09-23. Review status: criteria provided, single submitter. Criteria: ACMG Guidelines, 2015. Collection method: clinical testing. Allele origin: germline.
Comment: The EXT2 c.1022C>T variant is predicted to result in the amino acid substitution p.Pro341Leu. This variant has been reported in 0.3% of alleles in individuals of European ancestry from a genome sequencing study of healthy adults (Bodian et al. 2014. PubMed ID: 24728327). It is reported in 0.05% of alleles in individuals of European (Non-Finnish) descent in gnomAD and has conflicting interpretations of likely benign and uncertain significance in ClinVar (Variation ID: 134215). Although we suspect that this variant may be benign, at this time, the clinical significance of this variant is uncertain due to the absence of conclusive functional and genetic evidence.

GeneDx
Classification: Uncertain significance. Last evaluated: 2026-02-05. Review status: criteria provided, single submitter. Criteria: GeneDx Variant Classification Process June 2021. Collection method: clinical testing. Allele origin: germline. Affected: yes.
Comment: Has not been previously published as pathogenic or benign in association with EXT2-related disorders to our knowledge; In silico analysis supports that this missense variant has a deleterious effect on protein structure/function; This variant is associated with the following publications: (PMID: 28384719, 28166811, 24728327)

Labcorp Genetics (formerly Invitae), Labcorp
Classification: Likely benign for Exostoses, multiple, type 2. Last evaluated: 2026-01-19. Review status: criteria provided, single submitter. Criteria: Invitae Variant Classification Sherloc (09022015). Collection method: clinical testing. Allele origin: germline.

Fulgent Genetics
Classification: Uncertain significance for Exostoses, multiple, type 2; Seizures-scoliosis-macrocephaly syndrome. Last evaluated: 2018-10-31. Review status: criteria provided, single submitter. Criteria: ACMG Guidelines, 2015. Collection method: clinical testing. Allele origin: unknown.

Illumina Laboratory Services, Illumina
Classification: Likely benign for Exostoses, multiple, type 2. Last evaluated: 2018-01-12. Review status: criteria provided, single submitter. Criteria: ICSL Variant Classification Criteria 13 December 2019. Collection method: clinical testing. Allele origin: germline.
Comment: This variant was observed in the ICSL laboratory as part of a predisposition screen in an ostensibly healthy population. It had not been previously curated by ICSL or reported in the Human Gene Mutation Database (HGMD: prior to June 1st, 2018), and was therefore a candidate for classification through an automated scoring system. Utilizing variant allele frequency, disease prevalence and penetrance estimates, and inheritance mode, an automated score was calculated to assess if this variant is too frequent to cause the disease. Based on the score and internal cut-off values, a variant classified as likely benign is not then subjected to further curation. The score for this variant resulted in a classification of likely benign for this disease.

ITMI
No classification provided. Condition: AllHighlyPenetrant. Last evaluated: 2013-09-19. Review status: no classification provided. Collection method: reference population. Allele origin: germline. Not counted in ClinVar's aggregate classification.
Comment: Please see associated publication for description of ethnicities

Literature cited by the submitters: PubMed 24728327 (cited by ITMI).

NM_207122.2(EXT2):c.1022C>T (p.Pro341Leu)

Gene: EXT2 (exostosin glycosyltransferase 2; plus strand). Cytogenetic location: 11p11.2.
Variant type: single nucleotide variant.
Coding change: c.1022C>T on transcript NM_207122.2 (MANE Select); coding-DNA position 1022, C replaced by T.
Protein change: p.Pro341Leu; replaces proline 341 with leucine.
Molecular consequence: missense variant.
Genome position (GRCh38, 1-based): chr11:44,126,898, C>T. VCF-style: chr11-44126898-C-T. GRCh37 (hg19) VCF-style: chr11-44148448-C-T.
Other names: c.1121C>T, p.Pro374Leu (NM_000401.3); c.1022C>T, p.Pro341Leu (NM_001178083.3, NM_001389628.1, NM_001389630.1); short protein forms P341L, P374L.
Identifiers: ClinVar variation 134215 (VCV000134215.30), dbSNP rs141035971, ClinGen allele CA159161.
Genomic context (GRCh38, chr11:44,126,898, plus strand): 5'-TTCGTGGAGCTCGGCTGGGCCAGGCAGTATTGAGCGATGTGTTACAAGCTGGCTGTGTCC[C>T]GGTTGTCATTGCAGACTCCTATATTTTGCCTTTCTCTGAAGTTCTTGACTGGAAGAGGTG-3'
Protein context (NP_997005.1, residues 331-351): LSDVLQAGCV[Pro341Leu]VVIADSYILP